The following is an entry in ClinVar:

ClinVar aggregate classification (germline): Pathogenic (1 of 4 stars; one submission).

Conditions:
Developmental and epileptic encephalopathy, 9 (DEE9). Also called: Early infantile epileptic encephalopathy 9; PCDH19-Related X-Linked Female-Limited Epilepsy with Mental Retardation; JUBERG-HELLMAN SYNDROME; EPILEPSY, FEMALE-RESTRICTED, WITH MENTAL RETARDATION. Identifiers: Orphanet 101039, Orphanet 2076, MedGen C1848137, MONDO:0010246, OMIM 300088. Disease mechanism: loss of function.

Submission:

Labcorp Genetics (formerly Invitae), Labcorp
Classification: Pathogenic for Developmental and epileptic encephalopathy, 9. Last evaluated: 2018-01-20. Review status: criteria provided, single submitter. Criteria: Invitae Variant Classification Sherloc (09022015). Collection method: clinical testing. Allele origin: germline.
Comment: This sequence change creates a premature translational stop signal (p.Ser374*) in the PCDH19 gene. It is expected to result in an absent or disrupted protein product. For these reasons, this variant has been classified as Pathogenic. This variant is not present in population databases (ExAC no frequency). This variant has not been reported in the literature in individuals with PCDH19-related disease. Loss-of-function variants in PCDH19 are known to be pathogenic (PMID: 21053371).

Literature cited by the submitters: PubMed 21053371.

NM_001184880.2(PCDH19):c.1121_1122del (p.Val373_Ser374insTer)

Gene: PCDH19 (protocadherin 19; minus strand). Cytogenetic location: Xq22.1.
Variant type: Deletion.
Coding change: c.1121_1122del on transcript NM_001184880.2 (MANE Select); coding-DNA positions 1121 to 1122, 2 bases deleted (CT; older notation c.1121_1122delCT).
Protein change: p.Val373_Ser374insTer.
Molecular consequence: nonsense.
Genome position (GRCh38, 1-based): chrX:100,407,476-100,407,477, AG deleted on the plus strand (CT on the coding strand, the reverse complement: PCDH19 is on the minus strand); deleting any 2 consecutive bases within chrX:100,407,476-100,407,478 gives the same sequence; the c. name uses the placement nearest the transcript's 3' end. VCF-style (leftmost placement, unchanged base first): chrX-100407475-CAG-C. GRCh37 (hg19) VCF-style: chrX-99662473-CAG-C.
Other names: c.1121_1122del, p.Val373_Ser374insTer (NM_001105243.2, NM_020766.3).
Identifiers: ClinVar variation 576806 (VCV000576806.7), dbSNP rs1569315042, ClinGen allele CA891843593.